The following is an entry in ClinVar:

ClinVar aggregate classification (germline): Uncertain significance. Review status: criteria provided, multiple submitters, no conflicts (2 of 4 stars). 2 submissions from 2 submitters: Uncertain significance (2). Last evaluated 2025-06-22.

Conditions:
Aortic aneurysm, familial thoracic 7 (AAT7). Also called: AORTIC DISSECTION, FAMILIAL, WITH OR WITHOUT AORTIC ANEURYSM. Identifiers: MedGen C3151077, MONDO:0013418, OMIM 613780.

Allele frequency attached by ClinVar (database versions not stated): gnomAD exomes below 0.00001.
gnomAD v4.1: 2 of 1,614,180 alleles (0.00012%); highest among the groups gnomAD compares: Admixed American, 0.0017%; no homozygotes.

Submissions (2):

Labcorp Genetics (formerly Invitae), Labcorp
Classification: Uncertain significance for Aortic aneurysm, familial thoracic 7. Last evaluated: 2025-06-22. Review status: criteria provided, single submitter. Criteria: Invitae Variant Classification Sherloc (09022015). Collection method: clinical testing. Allele origin: germline.
Comment: This sequence change replaces serine, which is neutral and polar, with glycine, which is neutral and non-polar, at codon 1887 of the MYLK protein (p.Ser1887Gly). This variant is not present in population databases (gnomAD no frequency). This variant has not been reported in the literature in individuals affected with MYLK-related conditions. ClinVar contains an entry for this variant (Variation ID: 1013217). Invitae Evidence Modeling of protein sequence and biophysical properties (such as structural, functional, and spatial information, amino acid conservation, physicochemical variation, residue mobility, and thermodynamic stability) indicates that this missense variant is not expected to disrupt MYLK protein function with a negative predictive value of 80%. In summary, the available evidence is currently insufficient to determine the role of this variant in disease. Therefore, it has been classified as a Variant of Uncertain Significance.

CeGaT Center for Human Genetics Tuebingen
Classification: Uncertain significance. Last evaluated: 2020-10-01. Review status: criteria provided, single submitter. Criteria: CeGaT Center For Human Genetics Tuebingen Variant Classification Criteria Version 2. Collection method: clinical testing. Allele origin: germline. Affected: yes. Observed: 1 variant allele.

NM_053025.4(MYLK):c.5659A>G (p.Ser1887Gly)

Genes: MYLK (myosin light chain kinase; minus strand), MYLK-AS1 (MYLK antisense RNA 1; plus strand). Cytogenetic location: 3q21.1.
Variant type: single nucleotide variant.
Coding change: c.5659A>G on transcript NM_053025.4 (MANE Select); coding-DNA position 5659, A replaced by G.
Protein change: p.Ser1887Gly; replaces serine 1887 with glycine.
Molecular consequence: missense variant.
Genome position (GRCh38, 1-based): chr3:123,614,191, T>C on the plus strand (A>G on the coding strand, the complement: MYLK is on the minus strand). VCF-style: chr3-123614191-T-C. GRCh37 (hg19) VCF-style: chr3-123333038-T-C.
Other names: c.5131A>G, p.Ser1711Gly (NM_001321309.2); c.5452A>G, p.Ser1818Gly (NM_053026.4); c.5506A>G, p.Ser1836Gly (NM_053027.4); c.5299A>G, p.Ser1767Gly (NM_053028.4); c.376A>G, p.Ser126Gly (NM_053031.4); c.379A>G, p.Ser127Gly (NM_053032.4); short protein forms S126G, S127G, S1711G, S1767G, S1818G, S1836G, S1887G.
Identifiers: ClinVar variation 1013217 (VCV001013217.42), dbSNP rs2057335896, ClinGen allele CA354228642.